The following is an entry in ClinVar:

ClinVar aggregate classification (germline): Likely pathogenic (1 of 4 stars; one submission).

Conditions:
Charcot-Marie-Tooth disease axonal type 2S. Also called: CHARCOT-MARIE-TOOTH NEUROPATHY, TYPE 2S; CHARCOT-MARIE-TOOTH DISEASE, AXONAL, AUTOSOMAL RECESSIVE, TYPE 2S. Identifiers: Orphanet 443073, MedGen C4015349, MONDO:0014511, OMIM 616155.
Autosomal recessive distal spinal muscular atrophy 1. Also called: NEURONOPATHY, DISTAL HEREDITARY MOTOR, HARDING TYPE VI; NEUROPATHY, DISTAL HEREDITARY MOTOR, AUTOSOMAL RECESSIVE 1; HMN VI; NEURONOPATHY, SEVERE INFANTILE AXONAL, WITH RESPIRATORY FAILURE; SEVERE INFANTILE AXONAL NEUROPATHY WITH RESPIRATORY FAILURE; SPINAL MUSCULAR ATROPHY, DIAPHRAGMATIC. Identifiers: Orphanet 98920, MedGen C1858517, MONDO:0011436, OMIM 604320.

Submission:

Labcorp Genetics (formerly Invitae), Labcorp
Classification: Likely pathogenic for Autosomal recessive distal spinal muscular atrophy 1; Charcot-Marie-Tooth disease axonal type 2S. Last evaluated: 2025-10-29. Review status: criteria provided, single submitter. Criteria: Invitae Variant Classification Sherloc (09022015). Collection method: clinical testing. Allele origin: germline.
Comment: This sequence change affects an acceptor splice site in intron 2 of the IGHMBP2 gene. It is expected to disrupt RNA splicing. Variants that disrupt the donor or acceptor splice site typically lead to a loss of protein function (PMID: 16199547), and loss-of-function variants in IGHMBP2 are known to be pathogenic (PMID: 14681881, 25439726, 25568292). This variant is not present in population databases (gnomAD no frequency). This variant has not been reported in the literature in individuals affected with IGHMBP2-related conditions. Algorithms developed to predict the effect of sequence changes on RNA splicing suggest that this variant may disrupt the consensus splice site. In summary, the currently available evidence indicates that the variant is pathogenic, but additional data are needed to prove that conclusively. Therefore, this variant has been classified as Likely Pathogenic.

Literature cited by the submitters: PubMed 16199547; PubMed 14681881; PubMed 25439726; PubMed 25568292.

NM_002180.3(IGHMBP2):c.257-1G>T

Gene: IGHMBP2 (immunoglobulin mu DNA binding protein 2; plus strand). Cytogenetic location: 11q13.3.
Variant type: single nucleotide variant.
Coding change: c.257-1G>T on transcript NM_002180.3 (MANE Select); the canonical splice acceptor site of the intron before coding-DNA position 257, G replaced by T.
Molecular consequence: splice acceptor variant.
Genome position (GRCh38, 1-based): chr11:68,908,144, G>T. VCF-style: chr11-68908144-G-T. GRCh37 (hg19) VCF-style: chr11-68675612-G-T.
Identifiers: ClinVar variation 4789144 (VCV004789144.1).